The following is an entry in ClinVar:

NM_017763.6(RNF43):c.1020C>T (p.His340=)

Gene: RNF43 (ring finger protein 43; minus strand). Cytogenetic location: 17q22.
Variant type: single nucleotide variant.
Coding change: c.1020C>T on transcript NM_017763.6 (MANE Select); coding-DNA position 1020, C replaced by T.
Protein change: p.His340=; no amino-acid change (histidine 340 retained).
Molecular consequence: synonymous variant.
Genome position (GRCh38, 1-based): chr17:58,358,756, G>A on the plus strand (C>T on the coding strand, the complement: RNF43 is on the minus strand). VCF-style: chr17-58358756-G-A. GRCh37 (hg19) VCF-style: chr17-56436117-G-A.
Other names: c.1020C>T, p.His340= (NM_001305544.3); c.639C>T, p.His213= (NM_001305545.2).
Identifiers: ClinVar variation 1572604 (VCV001572604.10), dbSNP rs770626824, ClinGen allele CA8673246.

ClinVar aggregate classification (germline): Benign/Likely benign. Review status: criteria provided, multiple submitters, no conflicts (2 of 4 stars). 3 submissions from 3 submitters: Benign (1); Likely benign (2). Last evaluated 2026-07-01.

Conditions:
Sessile serrated polyposis cancer syndrome (SSPCS). Identifiers: Orphanet 157798, MedGen C4310714, MONDO:0014919, OMIM 617108.

Allele frequency attached by ClinVar (database versions not stated): gnomAD exomes below 0.00001; gnomAD 0.00001.

Submissions (3):

Myriad Genetics, Inc.
Classification: Benign for Sessile serrated polyposis cancer syndrome. Last evaluated: 2026-07-01. Review status: criteria provided, single submitter. Criteria: Myriad Autosomal Dominant, Autosomal Recessive and X-Linked Classification Criteria (2023). Collection method: clinical testing. Allele origin: unknown.
Comment: This variant is considered benign. This variant is a silent/synonymous amino acid change and it is not expected to impact splicing.

Ambry Genetics
Classification: Likely benign. Last evaluated: 2024-11-22. Review status: criteria provided, single submitter. Criteria: Ambry Variant Classification Scheme 2023. Collection method: clinical testing. Allele origin: germline.

Labcorp Genetics (formerly Invitae), Labcorp
Classification: Likely benign. Last evaluated: 2022-10-16. Review status: criteria provided, single submitter. Criteria: Invitae Variant Classification Sherloc (09022015). Collection method: clinical testing. Allele origin: germline.